The following is an entry in ClinVar:

ClinVar aggregate classification (germline): Pathogenic. Review status: criteria provided, multiple submitters, no conflicts (2 of 4 stars). 10 submissions from 9 submitters: Pathogenic (10). Last evaluated 2025-09-02.

Conditions:
Cardioencephalomyopathy, fatal infantile, due to cytochrome c oxidase deficiency 2 (MC4DN6). Also called: MITOCHONDRIAL COMPLEX IV DEFICIENCY, NUCLEAR TYPE 6. Identifiers: Orphanet 1561, MedGen C3554534, MONDO:0014051, OMIM 615119.
Charcot-Marie-Tooth disease type 4K. Also called: CHARCOT-MARIE-TOOTH DISEASE, DEMYELINATING, AUTOSOMAL RECESSIVE, TYPE 4K; CHARCOT-MARIE-TOOTH NEUROPATHY, DEMYELINATING, AUTOSOMAL RECESSIVE, TYPE 4K; CHARCOT-MARIE-TOOTH DISEASE, DEMYELINATING, TYPE 4K. Identifiers: Orphanet 391351, MedGen C4225246, MONDO:0014733, OMIM 616684.
Leigh syndrome (NULS). Also called: Leigh's necrotizing encephalopathy; Leigh's disease; Leigh Syndrome (mtDNA deletion); Leigh's syndrome; Leigh Disease; Subacute necrotizing encephalopathy. Identifiers: Orphanet 506, MedGen C2931891, MONDO:0009723, OMIM 256000.
Mitochondrial complex IV deficiency, nuclear type 1 (MC4DN1). Also called: COX DEFICIENCY; Mitochondrial complex IV deficiency; Complex 4 mitochondrial respiratory chain deficiency; Deficiency of mitochondrial respiratory chain complex4; Complex IV deficiency. Identifiers: MedGen C5435656, MONDO:0700250, OMIM 220110. Disease mechanism: loss of function.

Submissions (10):

Labcorp Genetics (formerly Invitae), Labcorp
Classification: Pathogenic for Leigh syndrome. Last evaluated: 2025-09-02. Review status: criteria provided, single submitter. Criteria: Invitae Variant Classification Sherloc (09022015). Collection method: clinical testing. Allele origin: germline.
Comment: This sequence change creates a premature translational stop signal (p.Thr253Serfs*38) in the SURF1 gene. While this is not anticipated to result in nonsense mediated decay, it is expected to disrupt the last 48 amino acid(s) of the SURF1 protein. The frequency data for this variant in the population databases is considered unreliable, as metrics indicate poor data quality at this position in the gnomAD database. This premature translational stop signal has been observed in individual(s) with clinical features of Leigh syndrome (PMID: 10443880). This variant disrupts a region of the SURF1 protein in which other variant(s) (p.Arg264Serfs*27) have been determined to be pathogenic (PMID: 23829769, 24462369). This suggests that this is a clinically significant region of the protein, and that variants that disrupt it are likely to be disease-causing. For these reasons, this variant has been classified as Pathogenic.

Foundation for Research in Genetics and Endocrinology, FRIGE's Institute of Human Genetics
Classification: Pathogenic for Mitochondrial complex IV deficiency, nuclear type 1. Last evaluated: 2025-07-01. Review status: criteria provided, single submitter. Criteria: ACMG Guidelines, 2015. Collection method: clinical testing. Allele origin: germline. Inheritance: Autosomal recessive inheritance. Affected: yes. Observed: 1 homozygote.
Comment: The homozygous frameshift deletion variant c.758_759del; p.Thr253Serfs*38, has been detected in the SURF1 gene. It leads to protein truncation 38 amino acids downstream of codon 253. This variant has been reported in population frequency databases such as gnomAD (MAF-0.0009%) and ExAC (MAF-0.0048%). In summary, the variant meets our criteria to be classified as pathogenic.

GeneDx
Classification: Pathogenic. Last evaluated: 2024-07-25. Review status: criteria provided, single submitter. Criteria: GeneDx Variant Classification Process June 2021. Collection method: clinical testing. Allele origin: germline. Affected: yes.
Comment: Frameshift variant in the C-terminus predicted to result in protein truncation, as the last 48 amino acids are lost and replaced with 37 incorrect amino acids (HGMD); Not observed at a significant frequency in large population cohorts (gnomAD); This variant is associated with the following publications: (PMID: 11317352, 23829769, 10443880, 16326995, 21611066, 22310368, 29933018)

Neuberg Centre For Genomic Medicine, NCGM
Classification: Pathogenic for Mitochondrial complex IV deficiency, nuclear type 1. Last evaluated: 2023-02-14. Review status: criteria provided, single submitter. Criteria: ACMG Guidelines, 2015. Collection method: clinical testing. Allele origin: germline. Inheritance: Autosomal recessive inheritance. Affected: yes.
Comment: The frameshift c.758_759del(p.Thr253SerfsTer38) variant has been reported previously in compound heterozygous state in an individual affected with Mitochondrial disorders (Invernizzi F, et. al., 2012). The variant is reported with an allele frequency of 0.001% in the gnomAD exomes database and is novel (not in any individuals) in 1000 Genomes database. This variant has been reported to the ClinVar database as Pathogenic (multiple submissions). This variant causes a frameshift starting with codon Threonine 253, changes this amino acid to Serine residue, and creates a premature Stop codon at position 38 of the new reading frame, denoted p.Thr253SerfsTer38. This variant is predicted to cause loss of normal protein function through protein truncation. Loss of function variants have been previously reported to be disease causing. For these reasons, this variant has been classified as Pathogenic.

Dasa
Classification: Pathogenic for Mitochondrial complex IV deficiency, nuclear type 1. Last evaluated: 2022-03-05. Review status: criteria provided, single submitter. Criteria: ACMG Guidelines, 2015. Collection method: clinical testing. Allele origin: germline. Affected: yes. Observed: 1 variant allele.
Comment: The c.758_759delCA;p.(Thr253Serfs*38) is a null frameshift variant (NMD) in the SURF1 gene and predicts alteration of the nonsense-mediate decay - NMD is present in a relevant exon to the transcript - PVS1. This sequence change has been observed in affected individual(s) and ClinVar contains an entry for this variant (ClinVar ID: 372717; PMID: 24462369; PMID: 22310368; PMID: 21611066) - PS4. The variant is present at low allele frequencies population databases (rs782349178 – gnomAD 0.0001582%; ABraOM no frequency) - PM2_supporting. The p.(Thr253Serfs*38) was detected in trans with a pathogenic variant (PMID: 24462369; PMID: 22310368; PMID: 21611066) - PM3. In summary, the currently available evidence indicates that the variant is pathogenic.

Revvity Omics, Revvity
Classification: Pathogenic. Last evaluated: 2021-08-31. Review status: criteria provided, single submitter. Criteria: ACMG Guidelines, 2015. Collection method: clinical testing. Allele origin: germline.

Laboratorio de Genetica e Diagnostico Molecular, Hospital Israelita Albert Einstein
Classification: Pathogenic for Leigh syndrome; Charcot-Marie-Tooth disease type 4K. Last evaluated: 2021-05-10. Review status: criteria provided, single submitter. Criteria: ACMG Guidelines, 2015. Collection method: clinical testing. Allele origin: germline. Affected: yes.
Comment: ACMG classification criteria: PVS1 very strong, PS4 supporting, PM2 moderate, PM3

Women's Health and Genetics/Laboratory Corporation of America, LabCorp
Classification: Pathogenic for Leigh syndrome. Last evaluated: 2016-02-12. Review status: criteria provided, single submitter. Criteria: LabCorp Variant Classification Summary - May 2015. Collection method: clinical testing. Allele origin: germline.
Comment: Variant summary: SURF1 c.758_759delCA variant results in a premature termination codon, predicted to cause a truncated or absent SURF1 protein, which is a commonly known mechanism for Leigh Syndrome. Mutation Taster predicts a damaging outcome for this variant, and functional studies from patient fibroblasts (homozygous and compound heterozygous) with this variant show severely impaired complex IV activity. The variant of interest was found in the large, broad control population, ExAC, with an allele frequency of 3/62366 (1/20790), which does not exceed the maximum expected allele frequency for a pathogenic SURF1 variant of 1/565. The variant of interest has been reported in multiple Leigh Syndrome patients in the literature. Taken together, this is a disease variant and was classified as pathogenic.

Institute for Medical Genetics and Human Genetics, Charité - Universitätsmedizin Berlin
Classification: Pathogenic for Mitochondrial complex IV deficiency, nuclear type 1. Review status: criteria provided, single submitter. Criteria: ACMG Guidelines, 2015. Collection method: not provided. Allele origin: germline. Inheritance: Autosomal recessive inheritance. Affected: yes.

Neuberg Centre For Genomic Medicine, NCGM
Classification: Pathogenic for Cardioencephalomyopathy, fatal infantile, due to cytochrome c oxidase deficiency 2. Review status: criteria provided, single submitter. Criteria: ACMG Guidelines, 2015. Collection method: clinical testing. Allele origin: germline. Inheritance: Autosomal recessive inheritance. Affected: yes.
Comment: The frameshift c.758_759del(p.Thr253SerfsTer38) variant has been reported previously in compound heterozygous state in an individual(s) affected with Mitochondrial disorders (Invernizzi F, et. al., 2012). The p.Thr253SerfsTer38 variant is present with an allele frequency of 0.001% in the gnomAD exomes. This variant has been submitted to the ClinVar database as Pathogenic (multiple submissions). This variant causes a frameshift starting with codon Threonine 253, changes this amino acid to Serine residue, and creates a premature Stop codon at position 38 of the new reading frame, denoted p.Thr253SerfsTer38. This variant is predicted to cause loss of normal protein function through protein truncation. Loss of function variants have been previously reported to be disease causing. For these reasons, this variant has been classified as Pathogenic.

Literature cited by the submitters: PubMed 10443880 (cited by Labcorp Genetics (formerly Invitae), Labcorp); PubMed 23829769 (cited by Labcorp Genetics (formerly Invitae), Labcorp and Women's Health and Genetics/Laboratory Corporation of America, LabCorp); PubMed 24462369 (cited by Labcorp Genetics (formerly Invitae), Labcorp and Dasa); PubMed 22310368 (cited by Dasa and Women's Health and Genetics/Laboratory Corporation of America, LabCorp); PubMed 21611066 (cited by Dasa and Women's Health and Genetics/Laboratory Corporation of America, LabCorp); PubMed 16326995 (cited by Women's Health and Genetics/Laboratory Corporation of America, LabCorp); PubMed 18583168 (cited by Women's Health and Genetics/Laboratory Corporation of America, LabCorp).

NM_003172.4(SURF1):c.758_759del (p.Thr253fs)

Gene: SURF1 (SURF1 cytochrome c oxidase assembly factor; minus strand). Cytogenetic location: 9q34.2.
Variant type: Microsatellite.
Coding change: c.758_759del on transcript NM_003172.4 (MANE Select); coding-DNA positions 758 to 759, 2 bases deleted (CA; older notation c.758_759delCA).
Protein change: p.Thr253fs; shifts the reading frame from threonine 253.
Molecular consequence: frameshift variant.
Genome position (GRCh38, 1-based): chr9:133,352,135-133,352,136, TG deleted on the plus strand (CA on the coding strand, the reverse complement: SURF1 is on the minus strand); deleting any 2 consecutive bases within chr9:133,352,135-133,352,138 gives the same sequence; the c. name uses the placement nearest the transcript's 3' end. VCF-style (leftmost placement, unchanged base first): chr9-133352134-CTG-C. GRCh37 (hg19) VCF-style: chr9-136218989-CTG-C.
Other names: p.Thr253Serfs*38; c.431_432del, p.Thr144fs (NM_001280787.1); c.758_759delCA (NM_003172.2, NM_003172.4); short protein forms T253fs, T144fs.
Identifiers: ClinVar variation 372717 (VCV000372717.21), dbSNP rs782349178, ClinGen allele CA16042678.